The following is an entry in ClinVar:

NM_002691.4(POLD1):c.2939_2952dup (p.Gly986fs)

Gene: POLD1 (DNA polymerase delta 1, catalytic subunit; plus strand). Cytogenetic location: 19q13.33.
Variant type: Duplication.
Coding change: c.2939_2952dup on transcript NM_002691.4 (MANE Select); coding-DNA positions 2939 to 2952, 14 bases duplicated (AGGCTGTGCTACTG).
Protein change: p.Gly986fs; shifts the reading frame from glycine 986.
Molecular consequence: frameshift variant. On other transcripts: non-coding transcript variant (1).
Genome position (GRCh38, 1-based): chr19:50,416,514-50,416,527, AGGCTGTGCTACTG duplicated; duplicating any 14 consecutive bases within chr19:50,416,513-50,416,527 gives the same sequence; the c. name uses the placement nearest the transcript's 3' end. VCF-style (leftmost placement, unchanged base first): chr19-50416512-C-CGAGGCTGTGCTACT. GRCh37 (hg19) VCF-style: chr19-50919769-C-CGAGGCTGTGCTACT.
Other names: c.3017_3030dup, p.Gly1012fs (NM_001308632.1); c.2867_2880dup, p.Gly962fs (NM_001438210.1, NM_001438211.1); c.2939_2952dup, p.Gly986fs (NM_001438212.1, NM_001438213.1, NM_001256849.1); short protein forms G962fs, G986fs, G1012fs.
Identifiers: ClinVar variation 4771609 (VCV004771609.1).

ClinVar aggregate classification (germline): Uncertain significance (1 of 4 stars; one submission).

Conditions:
POLD1-related polyposis and colorectal cancer syndrome (CRCS10). Also called: COLORECTAL CANCER, SUSCEPTIBILITY TO, ON CHROMOSOME 19q; Colorectal cancer 10; Colorectal cancer, susceptibility to, 10. Identifiers: Orphanet 220460, MedGen C2675481, MONDO:0012953, OMIM 612591.

Submission:

Labcorp Genetics (formerly Invitae), Labcorp
Classification: Uncertain significance for POLD1-related polyposis and colorectal cancer syndrome. Last evaluated: 2025-12-01. Review status: criteria provided, single submitter. Criteria: Invitae Variant Classification Sherloc (09022015). Collection method: clinical testing. Allele origin: germline.
Comment: This sequence change creates a premature translational stop signal (p.Gly986Leufs*64) in the POLD1 gene. Missense variants that disrupt the 3'-5' exonuclease (proof-reading) activity of the POLD1 protein are associated with PPAP (polymerase proofreading–associated polyposis) (PMID: 23263490, 23447401). However, loss-of-function variants that result in an absent or severely disrupted POLD1 protein, and missense variants outside the exonuclease domain, are unlikely to be associated with PPAP. This variant is not present in population databases (gnomAD no frequency). This variant has not been reported in the literature in individuals affected with POLD1-related conditions. In summary, the available evidence is currently insufficient to determine the role of this variant in disease. Therefore, it has been classified as a Variant of Uncertain Significance.

Literature cited by the submitters: PubMed 23263490; PubMed 23447401.